The following is an entry in ClinVar:

ClinVar aggregate classification (germline): Pathogenic (1 of 4 stars; one submission).

Submission:

GeneDx
Classification: Pathogenic. Last evaluated: 2015-03-17. Review status: criteria provided, single submitter. Criteria: GeneDx Variant Classification (06012015). Collection method: clinical testing. Allele origin: germline. Affected: yes.
Comment: The c.1007_1014delAGTCTCAC variant in the CDKL5 gene causes a frameshift starting with codonGlutamine 336, changes this amino acid to a Proline residue and creates a premature Stop codon at position 4of the new reading frame, denoted p.Gln336ProfsX4. This deletion is predicted to cause loss of normalprotein function either through protein truncation or nonsense-mediated mRNA decay. Although this variant has not been previously reported to our knowledge, we consider it to be pathogenic.

NM_001323289.2(CDKL5):c.1007_1014del (p.Gln336fs)

Gene: CDKL5 (cyclin dependent kinase like 5; plus strand). Cytogenetic location: Xp22.13.
Variant type: Deletion.
Coding change: c.1007_1014del on transcript NM_001323289.2 (MANE Select); coding-DNA positions 1007 to 1014, 8 bases deleted (AGTCTCAC; older notation c.1007_1014delAGTCTCAC).
Protein change: p.Gln336fs; shifts the reading frame from glutamine 336.
Molecular consequence: frameshift variant.
Genome position (GRCh38, 1-based): chrX:18,603,931-18,603,938, AGTCTCAC deleted; deleting any 8 consecutive bases within chrX:18,603,930-18,603,938 gives the same sequence; the c. name uses the placement nearest the transcript's 3' end. VCF-style (leftmost placement, unchanged base first): chrX-18603929-GCAGTCTCA-G. GRCh37 (hg19) VCF-style: chrX-18622049-GCAGTCTCA-G.
Other names: c.1007_1014del, p.Gln336fs (NM_001037343.2, NM_003159.3); c.1007_1014delAGTCTCAC (NM_003159.2); short protein forms Q336fs.
Identifiers: ClinVar variation 418707 (VCV000418707.2), dbSNP rs1064793381, ClinGen allele CA16621275.